The following is an entry in ClinVar:

NM_000057.4(BLM):c.824T>C (p.Leu275Ser)

Gene: BLM (BLM RecQ like helicase; plus strand). Cytogenetic location: 15q26.1.
Variant type: single nucleotide variant.
Coding change: c.824T>C on transcript NM_000057.4 (MANE Select); coding-DNA position 824, T replaced by C.
Protein change: p.Leu275Ser; replaces leucine 275 with serine.
Molecular consequence: missense variant. On other transcripts: 5 prime UTR variant (1).
Genome position (GRCh38, 1-based): chr15:90,751,811, T>C. VCF-style: chr15-90751811-T-C. GRCh37 (hg19) VCF-style: chr15-91295041-T-C.
Other names: c.824T>C, p.Leu275Ser (NM_001287246.2, NM_001287247.2); c.-468T>C (NM_001287248.2); short protein forms L275S.
Identifiers: ClinVar variation 3480870 (VCV003480870.1).

ClinVar aggregate classification (germline): Uncertain significance (1 of 4 stars; one submission).

Conditions:
Hereditary cancer-predisposing syndrome. Also called: Tumor predisposition; Neoplastic Syndromes, Hereditary; Hereditary Cancer Syndrome; Hereditary neoplastic syndrome. Identifiers: Orphanet 140162, MedGen C0027672, MeSH D009386, MONDO:0015356.

Submission:

Ambry Genetics
Classification: Uncertain significance for Hereditary cancer-predisposing syndrome. Last evaluated: 2024-10-11. Review status: criteria provided, single submitter. Criteria: Ambry Variant Classification Scheme 2023. Collection method: clinical testing. Allele origin: germline.
Comment: The p.L275S variant (also known as c.824T>C), located in coding exon 3 of the BLM gene, results from a T to C substitution at nucleotide position 824. The leucine at codon 275 is replaced by serine, an amino acid with dissimilar properties. This amino acid position is conserved. In addition, this alteration is predicted to be tolerated by in silico analysis. Based on the available evidence, the clinical significance of this variant remains unclear.